The following is an entry in ClinVar:

NM_003489.4(NRIP1):c.1871C>T (p.Thr624Met)

Gene: NRIP1 (nuclear receptor interacting protein 1; minus strand). Cytogenetic location: 21q11.2.
Variant type: single nucleotide variant.
Coding change: c.1871C>T on transcript NM_003489.4 (MANE Select); coding-DNA position 1871, C replaced by T.
Protein change: p.Thr624Met; replaces threonine 624 with methionine.
Molecular consequence: missense variant.
Genome position (GRCh38, 1-based): chr21:14,966,322, G>A on the plus strand (C>T on the coding strand, the complement: NRIP1 is on the minus strand). VCF-style: chr21-14966322-G-A. GRCh37 (hg19) VCF-style: chr21-16338643-G-A.
Other names: short protein forms T624M.
Identifiers: ClinVar variation 1966019 (VCV001966019.29), dbSNP rs758399379, ClinGen allele CA317653936.
Genomic context (GRCh38, chr21:14,966,322, plus strand): 5'-GACATGGATGACTGCATTCCACATTGTGCTAAATTTTGTAACAGCTTACTGGCACTAAAC[G>A]TTGCAGAGTTCTGTGCACCTTCATTTTGGGCTGGTTTCTCTCCTGGTGGGTCTTTGCTTT-3'
Protein context (NP_003480.2, residues 614-634): AQNEGAQNSA[Thr624Met]FSASKLLQNL

ClinVar aggregate classification (germline): Uncertain significance. Review status: criteria provided, multiple submitters, no conflicts (2 of 4 stars). 2 submissions from 2 submitters: Uncertain significance (2). Last evaluated 2023-10-01.

Allele frequency attached by ClinVar (database versions not stated): gnomAD exomes below 0.00001; TOPMed below 0.00001.
gnomAD v4.1: 5 of 1,614,040 alleles (0.00031%); highest among the groups gnomAD compares: Non-Finnish European, 0.00042%; no homozygotes.

Submissions (2):

CeGaT Center for Human Genetics Tuebingen
Classification: Uncertain significance. Last evaluated: 2023-10-01. Review status: criteria provided, single submitter. Criteria: CeGaT Center For Human Genetics Tuebingen Variant Classification Criteria Version 2. Collection method: clinical testing. Allele origin: germline. Affected: yes. Observed: 1 variant allele.
Comment: NRIP1: PM2, BP4

Labcorp Genetics (formerly Invitae), Labcorp
Classification: Uncertain significance. Last evaluated: 2022-10-24. Review status: criteria provided, single submitter. Criteria: Invitae Variant Classification Sherloc (09022015). Collection method: clinical testing. Allele origin: germline.
Comment: This sequence change replaces threonine, which is neutral and polar, with methionine, which is neutral and non-polar, at codon 624 of the NRIP1 protein (p.Thr624Met). This variant is not present in population databases (gnomAD no frequency). This variant has not been reported in the literature in individuals affected with NRIP1-related conditions. Algorithms developed to predict the effect of missense changes on protein structure and function are either unavailable or do not agree on the potential impact of this missense change (SIFT: "Deleterious"; PolyPhen-2: "Possibly Damaging"; Align-GVGD: "Class C0"). In summary, the available evidence is currently insufficient to determine the role of this variant in disease. Therefore, it has been classified as a Variant of Uncertain Significance.